The following is an entry in ClinVar:

ClinVar aggregate classification (germline): Uncertain significance (1 of 4 stars; one submission).

Submission:

Labcorp Genetics (formerly Invitae), Labcorp
Classification: Uncertain significance. Last evaluated: 2025-02-20. Review status: criteria provided, single submitter. Criteria: Invitae Variant Classification Sherloc (09022015). Collection method: clinical testing. Allele origin: germline.
Comment: This variant, c.65_70del, results in the deletion of 2 amino acid(s) of the PCLO protein (p.Ala22_Gly23del), but otherwise preserves the integrity of the reading frame. This variant is not present in population databases (gnomAD no frequency). This variant has not been reported in the literature in individuals affected with PCLO-related conditions. Experimental studies and prediction algorithms are not available or were not evaluated, and the functional significance of this variant is currently unknown. In summary, the available evidence is currently insufficient to determine the role of this variant in disease. Therefore, it has been classified as a Variant of Uncertain Significance.

NM_033026.6(PCLO):c.65_70del (p.Ala22_Gly23del)

Genes: PCLO (piccolo presynaptic cytomatrix protein; minus strand), LOC129998728 (ATAC-STARR-seq lymphoblastoid silent region 18336; plus strand). Cytogenetic location: 7q21.11.
Variant type: Deletion.
Coding change: c.65_70del on transcript NM_033026.6 (MANE Select); coding-DNA positions 65 to 70, 6 bases deleted (CTGGAG; older notation c.65_70delCTGGAG).
Protein change: p.Ala22_Gly23del.
Molecular consequence: inframe deletion.
Genome position (GRCh38, 1-based): chr7:83,162,523-83,162,528, CTCCAG deleted on the plus strand (CTGGAG on the coding strand, the reverse complement: PCLO is on the minus strand); deleting any 6 consecutive bases within chr7:83,162,523-83,162,529 gives the same sequence; the c. name uses the placement nearest the transcript's 3' end. VCF-style (leftmost placement, unchanged base first): chr7-83162522-CCTCCAG-C. GRCh37 (hg19) VCF-style: chr7-82791838-CCTCCAG-C.
Other names: c.65_70del, p.Ala22_Gly23del (NM_014510.3).
Identifiers: ClinVar variation 4713570 (VCV004713570.1).
Genomic context (GRCh38, chr7:83,162,522, plus strand): 5'-TCCGCCTCCATGCCGGCCGGGATCGCGGTGTGAGAGGGGCTCCCCGCCCCGCTAGCTCCT[CCTCCAG>C]CCGCTGCGGCCGCCGCCAGCCCTTCGGGGAGCCCTTCCCCTTCCAAGCTCGCCTCGTTGC-3'